The following is an entry in ClinVar:

NM_000256.3(MYBPC3):c.1358del (p.Pro453fs)

Gene: MYBPC3 (myosin binding protein C3; minus strand). Cytogenetic location: 11p11.2.
Variant type: Deletion.
Coding change: c.1358del on transcript NM_000256.3 (MANE Select); coding-DNA position 1358, one base deleted (C; older notation c.1358delC).
Protein change: p.Pro453fs; shifts the reading frame from proline 453.
Molecular consequence: frameshift variant.
Genome position (GRCh38, 1-based): chr11:47,342,929, G deleted on the plus strand (C on the coding strand, the reverse complement: MYBPC3 is on the minus strand); the first of 5 consecutive G bases (chr11:47,342,929-47,342,933); deleting any one gives the same sequence. VCF-style (leftmost placement, unchanged base first): chr11-47342928-AG-A. GRCh37 (hg19) VCF-style: chr11-47364479-AG-A.
Other names: short protein forms P453fs.
Identifiers: ClinVar variation 3721025 (VCV003721025.6).

ClinVar aggregate classification (germline): Pathogenic. Review status: criteria provided, multiple submitters, no conflicts (2 of 4 stars). 3 submissions from 3 submitters: Pathogenic (3). Last evaluated 2025-11-13.

Conditions:
Hypertrophic cardiomyopathy. Also called: HYPERTROPHIC MYOCARDIOPATHY. Identifiers: Orphanet 217569, MedGen C0007194, MeSH D002312, MONDO:0005045, HP:0001639.
Hypertrophic cardiomyopathy 4. Also called: Familial hypertrophic cardiomyopathy 4. Identifiers: MedGen C1861862, MONDO:0007268, OMIM 115197.

Submissions (3):

Labcorp Genetics (formerly Invitae), Labcorp
Classification: Pathogenic for Hypertrophic cardiomyopathy. Last evaluated: 2025-11-13. Review status: criteria provided, single submitter. Criteria: Invitae Variant Classification Sherloc (09022015). Collection method: clinical testing. Allele origin: germline.
Comment: This sequence change creates a premature translational stop signal (p.Pro453Leufs*13) in the MYBPC3 gene. It is expected to result in an absent or disrupted protein product. Loss-of-function variants in MYBPC3 are known to be pathogenic (PMID: 19574547). This variant is not present in population databases (gnomAD no frequency). This premature translational stop signal has been observed in individual(s) with hypertrophic cardiomyopathy (PMID: 25132132). ClinVar contains an entry for this variant (Variation ID: 3721025). For these reasons, this variant has been classified as Pathogenic.

GeneDx
Classification: Pathogenic. Last evaluated: 2025-04-14. Review status: criteria provided, single submitter. Criteria: GeneDx Variant Classification Process June 2021. Collection method: clinical testing. Allele origin: germline.
Comment: Frameshift variant predicted to result in protein truncation or nonsense mediated decay in a gene for which loss of function is a known mechanism of disease; Not observed at significant frequency in large population cohorts (gnomAD); This variant is associated with the following publications: (PMID: 25132132)

Juno Genomics, Hangzhou Juno Genomics, Inc
Classification: Pathogenic for Hypertrophic cardiomyopathy 4. Review status: criteria provided, single submitter. Criteria: ACMG Guidelines, 2015. Collection method: clinical testing. Allele origin: germline.
Comment: Absent from controls (or at extremely low frequency if recessive) in Genome Aggregation Database.;Null variant in a gene where loss of function (LOF) is a known mechanism of disease.;The prevalence of the variant in affected individuals is significantly increased compared to the prevalence in controls.

Literature cited by the submitters: PubMed 19574547 (cited by Labcorp Genetics (formerly Invitae), Labcorp); PubMed 25132132 (cited by Labcorp Genetics (formerly Invitae), Labcorp).